The following is an entry in ClinVar:

ClinVar aggregate classification (germline): Uncertain significance (1 of 4 stars; one submission).

Submission:

Labcorp Genetics (formerly Invitae), Labcorp
Classification: Uncertain significance. Last evaluated: 2022-08-16. Review status: criteria provided, single submitter. Criteria: Invitae Variant Classification Sherloc (09022015). Collection method: clinical testing. Allele origin: germline.
Comment: In summary, the available evidence is currently insufficient to determine the role of this variant in disease. Therefore, it has been classified as a Variant of Uncertain Significance. Algorithms developed to predict the effect of missense changes on protein structure and function are either unavailable or do not agree on the potential impact of this missense change (SIFT: "Not Available"; PolyPhen-2: "Benign"; Align-GVGD: "Not Available"). This variant has not been reported in the literature in individuals affected with EGF-related conditions. This variant is not present in population databases (gnomAD no frequency). This sequence change replaces aspartic acid, which is acidic and polar, with glutamic acid, which is acidic and polar, at codon 186 of the EGF protein (p.Asp186Glu).

NM_001963.6(EGF):c.558T>A (p.Asp186Glu)

Gene: EGF (epidermal growth factor; plus strand). Cytogenetic location: 4q25.
Variant type: single nucleotide variant.
Coding change: c.558T>A on transcript NM_001963.6 (MANE Select); coding-DNA position 558, T replaced by A.
Protein change: p.Asp186Glu; replaces aspartic acid 186 with glutamic acid.
Molecular consequence: missense variant.
Genome position (GRCh38, 1-based): chr4:109,943,890, T>A. VCF-style: chr4-109943890-T-A. GRCh37 (hg19) VCF-style: chr4-110865046-T-A.
Other names: c.558T>A, p.Asp186Glu (NM_001178130.3, NM_001178131.3, NM_001357021.2); short protein forms D186E.
Identifiers: ClinVar variation 1946298 (VCV001946298.5), dbSNP rs1207846625, ClinGen allele CA357876017.